The following is an entry in ClinVar:

ClinVar aggregate classification (germline): Pathogenic (1 of 4 stars; one submission).

Conditions:
Spastic paraplegia. Identifiers: MedGen C0037772, HP:0001258.

Submission:

Labcorp Genetics (formerly Invitae), Labcorp
Classification: Pathogenic for Spastic paraplegia. Last evaluated: 2021-05-30. Review status: criteria provided, single submitter. Criteria: Invitae Variant Classification Sherloc (09022015). Collection method: clinical testing. Allele origin: germline.
Comment: For these reasons, this variant has been classified as Pathogenic. This variant has not been reported in the literature in individuals with L1CAM-related conditions. This sequence change creates a premature translational stop signal (p.Arg217Alafs*21) in the L1CAM gene. It is expected to result in an absent or disrupted protein product. Loss-of-function variants in L1CAM are known to be pathogenic (PMID: 19846429). This variant is not present in population databases (ExAC no frequency).

Literature cited by the submitters: PubMed 19846429.

NM_001278116.2(L1CAM):c.644_648dup (p.Arg217fs)

Gene: L1CAM (L1 cell adhesion molecule; minus strand). Cytogenetic location: Xq28.
Variant type: Duplication.
Coding change: c.644_648dup on transcript NM_001278116.2 (MANE Select); coding-DNA positions 644 to 648, 5 bases duplicated (GCACC; older notation c.644_648dupGCACC).
Protein change: p.Arg217fs; shifts the reading frame from arginine 217.
Molecular consequence: frameshift variant.
Genome position (GRCh38, 1-based): chrX:153,870,836-153,870,840, GGTGC duplicated on the plus strand (GCACC on the coding strand, the reverse complement: L1CAM is on the minus strand). VCF-style (leftmost placement, unchanged base first): chrX-153870835-T-TGGTGC. GRCh37 (hg19) VCF-style: chrX-153136290-T-TGGTGC.
Other names: c.644_648dup, p.Arg217fs (NM_000425.5, NM_024003.3); c.629_633dup, p.Arg212fs (NM_001143963.2); short protein forms R212fs, R217fs.
Identifiers: ClinVar variation 1429299 (VCV001429299.6), dbSNP rs2148498706, ClinGen allele CA2573159353.